The following is an entry in ClinVar:

NM_001134407.3(GRIN2A):c.2081T>C (p.Ile694Thr)

Gene: GRIN2A (glutamate ionotropic receptor NMDA type subunit 2A; minus strand). Cytogenetic location: 16p13.2.
Variant type: single nucleotide variant.
Coding change: c.2081T>C on transcript NM_001134407.3 (MANE Select); coding-DNA position 2081, T replaced by C.
Protein change: p.Ile694Thr; replaces isoleucine 694 with threonine.
Molecular consequence: missense variant.
Genome position (GRCh38, 1-based): chr16:9,822,351, A>G on the plus strand (T>C on the coding strand, the complement: GRIN2A is on the minus strand). VCF-style: chr16-9822351-A-G. GRCh37 (hg19) VCF-style: chr16-9916208-A-G.
Other names: c.2081T>C, p.Ile694Thr (NM_000833.5, NM_001134408.2); short protein forms I694T.
Identifiers: ClinVar variation 1325869 (VCV001325869.5), dbSNP rs2141294911, ClinGen allele CA394797848.

ClinVar aggregate classification (germline): Pathogenic/Likely pathogenic. Review status: criteria provided, multiple submitters, no conflicts (2 of 4 stars). 2 submissions from 2 submitters: Pathogenic (1); Likely pathogenic (1). Last evaluated 2023-07-25.

Conditions:
Landau-Kleffner syndrome (FESD). Also called: EPILEPSY, FOCAL, WITH SPEECH DISORDER AND WITH OR WITHOUT MENTAL RETARDATION; APHASIA, ACQUIRED, WITH EPILEPSY. Identifiers: Orphanet 1945, Orphanet 725, Orphanet 98818, MedGen C0282512, MONDO:0009509, OMIM 245570.

Submissions (2):

Labcorp Genetics (formerly Invitae), Labcorp
Classification: Pathogenic for Landau-Kleffner syndrome. Last evaluated: 2023-07-25. Review status: criteria provided, single submitter. Criteria: Invitae Variant Classification Sherloc (09022015). Collection method: clinical testing. Allele origin: germline.
Comment: This missense change has been observed in individual(s) with Landau-Kleffner syndrome (PMID: 23933820). In at least one individual the variant was observed to be de novo. ClinVar contains an entry for this variant (Variation ID: 1325869). Advanced modeling of protein sequence and biophysical properties (such as structural, functional, and spatial information, amino acid conservation, physicochemical variation, residue mobility, and thermodynamic stability) performed at Invitae indicates that this missense variant is expected to disrupt GRIN2A protein function. Experimental studies have shown that this missense change affects GRIN2A function (PMID: 27839871). For these reasons, this variant has been classified as Pathogenic. This variant is not present in population databases (gnomAD no frequency). This sequence change replaces isoleucine, which is neutral and non-polar, with threonine, which is neutral and polar, at codon 694 of the GRIN2A protein (p.Ile694Thr).

Institute of Human Genetics, University of Leipzig Medical Center
Classification: Likely pathogenic for Landau-Kleffner syndrome. Last evaluated: 2019-01-01. Review status: criteria provided, single submitter. Criteria: ACMG Guidelines, 2015. Collection method: research. Allele origin: de novo. Affected: yes.

Literature cited by the submitters: PubMed 23933820 (cited by Labcorp Genetics (formerly Invitae), Labcorp); PubMed 27839871 (cited by Labcorp Genetics (formerly Invitae), Labcorp); PubMed 30544257 (cited by Institute of Human Genetics, University of Leipzig Medical Center).